The following is an entry in ClinVar:

ClinVar aggregate classification (germline): Uncertain significance (1 of 4 stars; one submission).

Conditions:
Emery-Dreifuss muscular dystrophy 5, autosomal dominant (EDMD5). Also called: EMERY-DREIFUSS MUSCULAR DYSTROPHY 5. Identifiers: Orphanet 261, MedGen C2751805, MONDO:0013072, OMIM 612999.

gnomAD v4.1: 1 of 1,614,126 alleles (0.000062%); highest among the groups gnomAD compares: Admixed American, 0.0017%; no homozygotes.

Submission:

Labcorp Genetics (formerly Invitae), Labcorp
Classification: Uncertain significance for Emery-Dreifuss muscular dystrophy 5, autosomal dominant. Last evaluated: 2025-03-13. Review status: criteria provided, single submitter. Criteria: Invitae Variant Classification Sherloc (09022015). Collection method: clinical testing. Allele origin: germline.
Comment: This sequence change replaces leucine, which is neutral and non-polar, with valine, which is neutral and non-polar, at codon 1040 of the SYNE2 protein (p.Leu1040Val). This variant is present in population databases (no rsID available, gnomAD 0.003%). This variant has not been reported in the literature in individuals affected with SYNE2-related conditions. An algorithm developed to predict the effect of missense changes on protein structure and function (PolyPhen-2) suggests that this variant is likely to be disruptive. In summary, the available evidence is currently insufficient to determine the role of this variant in disease. Therefore, it has been classified as a Variant of Uncertain Significance.

NM_182914.3(SYNE2):c.3118C>G (p.Leu1040Val)

Gene: SYNE2 (spectrin repeat containing nuclear envelope protein 2; plus strand). Cytogenetic location: 14q23.2.
Variant type: single nucleotide variant.
Coding change: c.3118C>G on transcript NM_182914.3 (MANE Select); coding-DNA position 3118, C replaced by G.
Protein change: p.Leu1040Val; replaces leucine 1040 with valine.
Molecular consequence: missense variant.
Genome position (GRCh38, 1-based): chr14:63,997,124, C>G. VCF-style: chr14-63997124-C-G. GRCh37 (hg19) VCF-style: chr14-64463842-C-G.
Other names: c.3118C>G, p.Leu1040Val (NM_015180.6); short protein forms L1040V.
Identifiers: ClinVar variation 4775178 (VCV004775178.1).
Genomic context (GRCh38, chr14:63,997,124, plus strand): 5'-AAAGATTATGAACAAAAGATAGAAAGACTTCTGAAATGTGCTTCCGAGATTCATATGACA[C>G]TGCAGCCCACAGCGGGAGGCACGTCGAAAAACGAGTTAGTACTTCATAAGAATAGCTACC-3'
Protein context (NP_878918.2, residues 1030-1050): LKCASEIHMT[Leu1040Val]QPTAGGTSKN